The following is an entry in ClinVar:

ClinVar aggregate classification (germline): Likely benign (1 of 4 stars; one submission).

gnomAD v4.1: 150 of 1,303,584 alleles (0.012%); highest among the groups gnomAD compares: African/African-American, 0.2%; no homozygotes.

Submission:

CeGaT Center for Human Genetics Tuebingen
Classification: Likely benign. Last evaluated: 2026-03-01. Review status: criteria provided, single submitter. Criteria: CeGaT Center For Human Genetics Tuebingen Variant Classification Criteria Version 2. Collection method: clinical testing. Allele origin: germline. Affected: yes. Observed: 1 variant allele.
Comment: TAF4: BP4, BP7

NM_003185.4(TAF4):c.9G>A (p.Ala3=)

Gene: TAF4 (TATA-box binding protein associated factor 4; minus strand). Cytogenetic location: 20q13.33.
Variant type: single nucleotide variant.
Coding change: c.9G>A on transcript NM_003185.4 (MANE Select); coding-DNA position 9, G replaced by A.
Protein change: p.Ala3=; no amino-acid change (alanine 3 retained).
Molecular consequence: synonymous variant.
Genome position (GRCh38, 1-based): chr20:62,065,802, C>T on the plus strand (G>A on the coding strand, the complement: TAF4 is on the minus strand). VCF-style: chr20-62065802-C-T. GRCh37 (hg19) VCF-style: chr20-60640858-C-T.
Identifiers: ClinVar variation 4821107 (VCV004821107.4).